The following is an entry in ClinVar:

ClinVar aggregate classification (germline): Uncertain significance (1 of 4 stars; one submission).

Conditions:
Epilepsy, progressive myoclonic, 1B. Also called: PME. Identifiers: Orphanet 308, MedGen C2676254, MONDO:0012904, OMIM 612437.

Submission:

Labcorp Genetics (formerly Invitae), Labcorp
Classification: Uncertain significance for Epilepsy, progressive myoclonic, 1B. Last evaluated: 2018-12-07. Review status: criteria provided, single submitter. Criteria: Invitae Variant Classification Sherloc (09022015). Collection method: clinical testing. Allele origin: germline.
Comment: In summary, the available evidence is currently insufficient to determine the role of this variant in disease. Therefore, it has been classified as a Variant of Uncertain Significance. Nucleotide substitutions within the consensus splice site are a relatively common cause of aberrant splicing (PMID: 17576681, 9536098). Algorithms developed to predict the effect of sequence changes on RNA splicing suggest that this variant is not likely to affect RNA splicing, but this prediction has not been confirmed by published transcriptional studies. This variant has not been reported in the literature in individuals with PRICKLE1-related conditions. This variant is not present in population databases (ExAC no frequency). This sequence change falls in intron 5 of the PRICKLE1 gene. It does not directly change the encoded amino acid sequence of the PRICKLE1 protein, but it affects a nucleotide within the consensus splice site of the intron.

Literature cited by the submitters: PubMed 17576681; PubMed 9536098.

NM_153026.3(PRICKLE1):c.588+5A>C

Gene: PRICKLE1 (prickle planar cell polarity protein 1; minus strand). Cytogenetic location: 12q12.
Variant type: single nucleotide variant.
Coding change: c.588+5A>C on transcript NM_153026.3 (MANE Select); 5 bases into the intron after coding-DNA position 588, A replaced by C.
Molecular consequence: intron variant.
Genome position (GRCh38, 1-based): chr12:42,468,621, T>G on the plus strand (A>C on the coding strand, the complement: PRICKLE1 is on the minus strand). VCF-style: chr12-42468621-T-G. GRCh37 (hg19) VCF-style: chr12-42862423-T-G.
Other names: c.588+5A>C (NM_001144883.2, NM_001144882.2, NM_001144881.2).
Identifiers: ClinVar variation 645896 (VCV000645896.8), dbSNP rs1593111486, ClinGen allele CA915946326.
Genomic context (GRCh38, chr12:42,468,621, plus strand): 5'-ACAGTGGAATATTGGCTTAATCTAAGCTTATTTTTCCCAGTGTGAAAGGATGAACTTTTT[T>G]TTACCTCGTCACATGCTGAGCACCGTGGTTTGAGCAGTTCTGCATGGTGCCTGCCACAGT-3'